The following is an entry in ClinVar:

NM_014846.4(WASHC5):c.2771-7T>C

Genes: WASHC5 (WASH complex subunit 5; minus strand), WASHC5-AS1 (WASHC5 antisense RNA 1; plus strand). Cytogenetic location: 8q24.13.
Variant type: single nucleotide variant.
Coding change: c.2771-7T>C on transcript NM_014846.4 (MANE Select); 7 bases into the intron before coding-DNA position 2771, T replaced by C.
Molecular consequence: intron variant.
Genome position (GRCh38, 1-based): chr8:125,043,911, A>G on the plus strand (T>C on the coding strand, the complement: WASHC5 is on the minus strand). VCF-style: chr8-125043911-A-G. GRCh37 (hg19) VCF-style: chr8-126056153-A-G.
Other names: c.2327-7T>C (NM_001330609.2).
Identifiers: ClinVar variation 195766 (VCV000195766.24), dbSNP rs142685897, ClinGen allele CA201930.
Genomic context (GRCh38, chr8:125,043,911, plus strand): 5'-TCCAAATCTTCTGTGTTTTGGCAATGGCGGAAAAATAAATTTTATTTGAATTTGCTGAAA[A>G]GTTAAAACATAATTTTCTCTTTAGTACATTCGTAAAGGCTACAGTGTCATCCCCGCCTCA-3'

ClinVar aggregate classification (germline): Benign/Likely benign. Review status: criteria provided, multiple submitters, no conflicts (2 of 4 stars). 7 submissions from 7 submitters: Benign (4); Likely benign (3). Last evaluated 2025-10-01.

Conditions:
Hereditary spastic paraplegia 8 (SPG8). Also called: SPASTIC PARAPLEGIA 8, AUTOSOMAL DOMINANT. Identifiers: Orphanet 100989, MedGen C1863704, MONDO:0011339, OMIM 603563.
Ritscher-Schinzel syndrome. Also called: CRANIOCEREBELLOCARDIAC DYSPLASIA. Identifiers: Orphanet 7, MedGen C0796137, MONDO:0019078.
Hereditary spastic paraplegia. Also called: Familial spastic paraparesis. Identifiers: Orphanet 685, MedGen C0037773, MONDO:0019064. Disease mechanism: loss of function.

Allele frequency attached by ClinVar (database versions not stated): gnomAD exomes 0.00019 and 0.00045; ExAC 0.00049; 1000 Genomes Project 0.00140; 1000 Genomes Project 30x 0.00141; gnomAD 0.00165 and 0.00181; TOPMed 0.00202; ESP Exome Variant Server 0.00238.
gnomAD v4.1: 538 of 1,610,748 alleles (0.033%); highest among the groups gnomAD compares: African/African-American, 0.64%; 3 homozygotes.

Submissions (7):

Labcorp Genetics (formerly Invitae), Labcorp
Classification: Benign for Ritscher-Schinzel syndrome; Hereditary spastic paraplegia 8. Last evaluated: 2025-10-01. Review status: criteria provided, single submitter. Criteria: Invitae Variant Classification Sherloc (09022015). Collection method: clinical testing. Allele origin: germline.

Athena Diagnostics
Classification: Benign. Last evaluated: 2025-01-02. Review status: criteria provided, single submitter. Criteria: Athena Diagnostics Criteria. Collection method: clinical testing. Allele origin: unknown.
Comment: The frequency of this variant in the general population is higher than would generally be expected for pathogenic variants in this gene.

Blueprint Genetics
Classification: Likely benign. Last evaluated: 2024-10-02. Review status: criteria provided, single submitter. Criteria: ACMG Guidelines, 2015. Collection method: clinical testing. Allele origin: germline.

GeneDx
Classification: Benign. Last evaluated: 2021-10-14. Review status: criteria provided, single submitter. Criteria: GeneDx Variant Classification Process June 2021. Collection method: clinical testing. Allele origin: germline. Affected: yes.

Genome Diagnostics Laboratory, The Hospital for Sick Children
Classification: Likely benign for Hereditary spastic paraplegia. Last evaluated: 2021-07-02. Review status: criteria provided, single submitter. Criteria: ACMG Guidelines, 2015. Collection method: clinical testing. Allele origin: germline. Affected: yes.

Illumina Laboratory Services, Illumina
Classification: Benign for Hereditary spastic paraplegia 8. Last evaluated: 2018-01-12. Review status: criteria provided, single submitter. Criteria: ICSL Variant Classification Criteria 13 December 2019. Collection method: clinical testing. Allele origin: germline.
Comment: This variant was observed in the ICSL laboratory as part of a predisposition screen in an ostensibly healthy population. It had not been previously curated by ICSL or reported in the Human Gene Mutation Database (HGMD: prior to June 1st, 2018), and was therefore a candidate for classification through an automated scoring system. Utilizing variant allele frequency, disease prevalence and penetrance estimates, and inheritance mode, an automated score was calculated to assess if this variant is too frequent to cause the disease. Based on the score and internal cut-off values, a variant classified as benign is not then subjected to further curation. The score for this variant resulted in a classification of benign for this disease.

Eurofins Ntd Llc (ga)
Classification: Likely benign. Last evaluated: 2014-12-05. Review status: criteria provided, single submitter. Criteria: EGL Classification Definitions 2015. Collection method: clinical testing. Allele origin: germline. Observed: 1 variant allele, 1 heterozygote.